The following is an entry in ClinVar:

NM_003630.3(PEX3):c.274C>T (p.Leu92=)

Gene: PEX3 (peroxisomal biogenesis factor 3; plus strand). Cytogenetic location: 6q24.2.
Variant type: single nucleotide variant.
Coding change: c.274C>T on transcript NM_003630.3 (MANE Select); coding-DNA position 274, C replaced by T.
Protein change: p.Leu92=; no amino-acid change (leucine 92 retained).
Molecular consequence: synonymous variant.
Genome position (GRCh38, 1-based): chr6:143,462,984, C>T. VCF-style: chr6-143462984-C-T. GRCh37 (hg19) VCF-style: chr6-143784121-C-T.
Other names: c.274C>T (NM_003630.2).
Identifiers: ClinVar variation 1577276 (VCV001577276.10), dbSNP rs1779945826, ClinGen allele CA452461403.

ClinVar aggregate classification (germline): Likely benign. Review status: criteria provided, single submitter (1 of 4 stars). 2 submissions from 2 submitters: Likely benign (1). 1 of the submissions does not count toward it. Last evaluated 2025-07-03.

Conditions:
PEX3-related disorder. Also called: PEX3-related condition.

Allele frequency attached by ClinVar (database versions not stated): TOPMed 0.00001.

Submissions (2):

Labcorp Genetics (formerly Invitae), Labcorp
Classification: Likely benign. Last evaluated: 2025-07-03. Review status: criteria provided, single submitter. Criteria: Invitae Variant Classification Sherloc (09022015). Collection method: clinical testing. Allele origin: germline.

PreventionGenetics, part of Exact Sciences
Classification: Likely benign for PEX3-related condition. Last evaluated: 2019-05-30. Review status: no assertion criteria provided. Collection method: clinical testing. Allele origin: germline. Not counted in ClinVar's aggregate classification.
Comment: This variant is classified as likely benign based on ACMG/AMP sequence variant interpretation guidelines (Richards et al. 2015 PMID: 25741868, with internal and published modifications).